The following is an entry in ClinVar:

ClinVar aggregate classification (germline): Uncertain significance. Review status: criteria provided, multiple submitters, no conflicts (2 of 4 stars). 3 submissions from 3 submitters: Uncertain significance (3). Last evaluated 2026-05-12.

Conditions:
ABCG8-related disorder. Also called: ABCG8-related condition.
Cardiovascular phenotype. Identifiers: MedGen CN230736.

Allele frequency attached by ClinVar (database versions not stated): gnomAD 0.00001.
gnomAD v4.1: 19 of 1,614,058 alleles (0.0012%); highest among the groups gnomAD compares: Admixed American, 0.032%; no homozygotes.

Submissions (3):

Ambry Genetics
Classification: Uncertain significance for Cardiovascular phenotype. Last evaluated: 2026-05-12. Review status: criteria provided, single submitter. Criteria: Ambry Variant Classification Scheme 2023. Collection method: clinical testing. Allele origin: germline.
Comment: The p.R174L variant (also known as c.521G>T), located in coding exon 4 of the ABCG8 gene, results from a G to T substitution at nucleotide position 521. The arginine at codon 174 is replaced by leucine, an amino acid with dissimilar properties. This amino acid position is well conserved in available vertebrate species. In addition, this alteration is predicted to be tolerated by in silico analysis. Based on the available evidence, the clinical significance of this variant remains unclear.

PreventionGenetics, part of Exact Sciences
Classification: Uncertain significance for ABCG8-related condition. Last evaluated: 2026-03-23. Review status: criteria provided, single submitter. Criteria: ACMG Guidelines, 2015. Collection method: clinical testing. Allele origin: germline.
Comment: The ABCG8 c.521G>T variant is predicted to result in the amino acid substitution p.Arg174Leu. To our knowledge, this variant has not been reported in the literature. This variant is reported in 0.045% of alleles in individuals of Latino descent in gnomAD. At this time, the clinical significance of this variant is uncertain due to the absence of conclusive functional and genetic evidence.

Labcorp Genetics (formerly Invitae), Labcorp
Classification: Uncertain significance. Last evaluated: 2025-12-13. Review status: criteria provided, single submitter. Criteria: Invitae Variant Classification Sherloc (09022015). Collection method: clinical testing. Allele origin: germline.
Comment: This sequence change replaces arginine, which is basic and polar, with leucine, which is neutral and non-polar, at codon 174 of the ABCG8 protein (p.Arg174Leu). This variant is present in population databases (rs762440574, gnomAD 0.04%). This variant has not been reported in the literature in individuals affected with ABCG8-related conditions. ClinVar contains an entry for this variant (Variation ID: 2886624). Invitae Evidence Modeling of protein sequence and biophysical properties (such as structural, functional, and spatial information, amino acid conservation, physicochemical variation, residue mobility, and thermodynamic stability) indicates that this missense variant is not expected to disrupt ABCG8 protein function with a negative predictive value of 80%. In summary, the available evidence is currently insufficient to determine the role of this variant in disease. Therefore, it has been classified as a Variant of Uncertain Significance.

NM_022437.3(ABCG8):c.521G>T (p.Arg174Leu)

Gene: ABCG8 (ATP binding cassette subfamily G member 8; plus strand). Cytogenetic location: 2p21.
Variant type: single nucleotide variant.
Coding change: c.521G>T on transcript NM_022437.3 (MANE Select); coding-DNA position 521, G replaced by T.
Protein change: p.Arg174Leu; replaces arginine 174 with leucine.
Molecular consequence: missense variant.
Genome position (GRCh38, 1-based): chr2:43,851,782, G>T. VCF-style: chr2-43851782-G-T. GRCh37 (hg19) VCF-style: chr2-44078921-G-T.
Other names: c.521G>T, p.Arg174Leu (NM_001357321.2); c.521G>T (NM_022437.2); short protein forms R174L.
Identifiers: ClinVar variation 2886624 (VCV002886624.5), dbSNP rs762440574, ClinGen allele CA1637041.